The following is an entry in ClinVar:

ClinVar aggregate classification (germline): Pathogenic (1 of 4 stars; one submission).

Conditions:
Muscular dystrophy-dystroglycanopathy type B6 (MDDGB6). Also called: MUSCULAR DYSTROPHY-DYSTROGLYCANOPATHY (CONGENITAL WITH IMPAIRED INTELLECTUAL DEVELOPMENT), TYPE B, 6; MUSCULAR DYSTROPHY, CONGENITAL, LARGE-RELATED; MUSCULAR DYSTROPHY, CONGENITAL, TYPE 1D. Identifiers: MedGen C1837229, MONDO:0012138, OMIM 608840.

Submission:

Labcorp Genetics (formerly Invitae), Labcorp
Classification: Pathogenic for Muscular dystrophy-dystroglycanopathy type B6. Last evaluated: 2023-06-29. Review status: criteria provided, single submitter. Criteria: Invitae Variant Classification Sherloc (09022015). Collection method: clinical testing. Allele origin: unknown.
Comment: For these reasons, this variant has been classified as Pathogenic. A similar copy number variant has been observed in individual(s) with LARGE1-related conditions (PMID: 17436019, 21727005). This variant is a gross deletion of the genomic region encompassing exon(s) 9-10 of the LARGE1 gene. This deletion is out-of-frame, and is expected to create a premature termination codon and result in an absent or disrupted protein product. Loss-of-function variants in LARGE1 are known to be pathogenic (PMID: 12966029, 17878207).

Literature cited by the submitters: PubMed 17436019; PubMed 21727005; PubMed 12966029; PubMed 17878207.

NC_000022.10:g.(?_33777885)_(33780310_?)del

Gene: LARGE1 (LARGE xylosyl- and glucuronyltransferase 1; minus strand). Cytogenetic location: 22q12.3.
Variant type: Deletion.
Identifiers: ClinVar variation 3247680 (VCV003247680.1).